The following is an entry in ClinVar:

NM_000282.4(PCCA):c.27_36del (p.Pro10fs)

Gene: PCCA (propionyl-CoA carboxylase subunit alpha; plus strand). Cytogenetic location: 13q32.3.
Variant type: Deletion.
Coding change: c.27_36del on transcript NM_000282.4 (MANE Select); coding-DNA positions 27 to 36, 10 bases deleted (ACCGCTGGTC; older notation c.27_36delACCGCTGGTC).
Protein change: p.Pro10fs; shifts the reading frame from proline 10.
Molecular consequence: frameshift variant. On other transcripts: 5 prime UTR variant (3), non-coding transcript variant (5).
Genome position (GRCh38, 1-based): chr13:100,089,147-100,089,156, ACCGCTGGTC deleted; deleting any 10 consecutive bases within chr13:100,089,146-100,089,156 gives the same sequence; the c. name uses the placement nearest the transcript's 3' end. VCF-style (leftmost placement, unchanged base first): chr13-100089145-GCACCGCTGGT-G. GRCh37 (hg19) VCF-style: chr13-100741399-GCACCGCTGGT-G.
Other names: c.27_36del10 (NM_000282.3); c.27_36del, p.Pro10fs (NM_001127692.3, NM_001178004.2, NM_001352605.2 and 4 more transcripts); c.-840_-831del (NM_001352610.2, NM_001352611.2, NM_001352612.2); short protein forms P10fs.
Identifiers: ClinVar variation 3728445 (VCV003728445.3).

ClinVar aggregate classification (germline): Pathogenic. Review status: criteria provided, multiple submitters, no conflicts (2 of 4 stars). 2 submissions from 2 submitters: Pathogenic (2). Last evaluated 2025-10-17.

Conditions:
Inborn genetic diseases. Identifiers: MedGen C0950123, MeSH D030342.
Propionic acidemia (PROP). Also called: GLYCINEMIA, KETOTIC; HYPERGLYCINEMIA WITH KETOACIDOSIS AND LEUKOPENIA; KETOTIC HYPERGLYCINEMIA. Identifiers: Orphanet 35, MedGen C0268579, MONDO:0011628, OMIM 606054, HP:0003571.

Submissions (2):

Ambry Genetics
Classification: Pathogenic for Inborn genetic diseases. Last evaluated: 2025-10-17. Review status: criteria provided, single submitter. Criteria: Ambry Variant Classification Scheme 2023. Collection method: clinical testing. Allele origin: germline.
Comment: The c.27_36del10 (p.P10Lfs*13) alteration, located in exon 1 (coding exon 1) of the PCCA gene, consists of a deletion of 10 nucleotides from position 27 to 36, causing a translational frameshift with a predicted alternate stop codon after 13 amino acids. This alteration is expected to result in loss of function by premature protein truncation or nonsense-mediated mRNA decay. This variant was not reported in population-based cohorts in the Genome Aggregation Database (gnomAD). Based on the available evidence, this alteration is classified as pathogenic.

Labcorp Genetics (formerly Invitae), Labcorp
Classification: Pathogenic for Propionic acidemia. Last evaluated: 2025-01-01. Review status: criteria provided, single submitter. Criteria: Invitae Variant Classification Sherloc (09022015). Collection method: clinical testing. Allele origin: germline.
Comment: This sequence change creates a premature translational stop signal (p.Pro10Leufs*13) in the PCCA gene. It is expected to result in an absent or disrupted protein product. Loss-of-function variants in PCCA are known to be pathogenic (PMID: 15464417). This variant is not present in population databases (gnomAD no frequency). This variant has not been reported in the literature in individuals affected with PCCA-related conditions. For these reasons, this variant has been classified as Pathogenic.

Literature cited by the submitters: PubMed 25954003 (cited by Ambry Genetics); PubMed 27618451 (cited by Ambry Genetics); PubMed 28490743 (cited by Ambry Genetics); PubMed 15464417 (cited by Labcorp Genetics (formerly Invitae), Labcorp).